The following is an entry in ClinVar:

ClinVar aggregate classification (germline): Uncertain significance (1 of 4 stars; one submission).

Submission:

Labcorp Genetics (formerly Invitae), Labcorp
Classification: Uncertain significance. Last evaluated: 2022-10-17. Review status: criteria provided, single submitter. Criteria: Invitae Variant Classification Sherloc (09022015). Collection method: clinical testing. Allele origin: germline.
Comment: In summary, the available evidence is currently insufficient to determine the role of this variant in disease. Therefore, it has been classified as a Variant of Uncertain Significance. Algorithms developed to predict the effect of sequence changes on RNA splicing suggest that this variant may disrupt the consensus splice site. This variant has not been reported in the literature in individuals affected with CENPJ-related conditions. This variant is not present in population databases (gnomAD no frequency). This sequence change falls in intron 16 of the CENPJ gene. It does not directly change the encoded amino acid sequence of the CENPJ protein.

NM_018451.5(CPAP):c.3824+14_3824+17dup

Genes: CPAP (centrosome assembly and centriole elongation protein; minus strand), RNF17 (ring finger protein 17; plus strand). Cytogenetic location: 13q12.12.
Variant type: Duplication.
Coding change: c.3824+14_3824+17dup on transcript NM_018451.5 (MANE Select); bases 14 to 17 of the intron after coding-DNA position 3824, 4 bases duplicated (ATGT; older notation c.3824+14_3824+17dupATGT).
Molecular consequence: intron variant.
Genome position (GRCh38, 1-based): chr13:24,883,946-24,883,949, ACAT duplicated on the plus strand (ATGT on the coding strand, the reverse complement: CPAP is on the minus strand); duplicating any 4 consecutive bases within chr13:24,883,946-24,883,950 gives the same sequence; the c. name uses the placement nearest the transcript's 3' end. VCF-style (leftmost placement, unchanged base first): chr13-24883945-A-AACAT. GRCh37 (hg19) VCF-style: chr13-25458083-A-AACAT.
Identifiers: ClinVar variation 2009936 (VCV002009936.4), dbSNP rs2541595776, ClinGen allele CA2580086835.